The following is an entry in ClinVar:

ClinVar aggregate classification (germline): Uncertain significance (1 of 4 stars; one submission).

Conditions:
Developmental and epileptic encephalopathy, 30 (DEE30). Also called: Epileptic encephalopathy, early infantile, 30. Identifiers: MedGen C4225360, MONDO:0014595, OMIM 616341.

Submission:

Labcorp Genetics (formerly Invitae), Labcorp
Classification: Uncertain significance for Developmental and epileptic encephalopathy, 30. Last evaluated: 2024-08-11. Review status: criteria provided, single submitter. Criteria: Invitae Variant Classification Sherloc (09022015). Collection method: clinical testing. Allele origin: germline.
Comment: This sequence change replaces serine, which is neutral and polar, with asparagine, which is neutral and polar, at codon 370 of the SIK1 protein (p.Ser370Asn). The frequency data for this variant in the population databases is considered unreliable, as metrics indicate poor data quality at this position in the gnomAD database. This variant has not been reported in the literature in individuals affected with SIK1-related conditions. Advanced modeling of protein sequence and biophysical properties (such as structural, functional, and spatial information, amino acid conservation, physicochemical variation, residue mobility, and thermodynamic stability) performed at Invitae indicates that this missense variant is not expected to disrupt SIK1 protein function with a negative predictive value of 95%. In summary, the available evidence is currently insufficient to determine the role of this variant in disease. Therefore, it has been classified as a Variant of Uncertain Significance.

NM_173354.5(SIK1):c.1109G>A (p.Ser370Asn)

Gene: SIK1 (salt inducible kinase 1; minus strand). Cytogenetic location: 21q22.3.
Variant type: single nucleotide variant.
Coding change: c.1109G>A on transcript NM_173354.5 (MANE Select); coding-DNA position 1109, G replaced by A.
Protein change: p.Ser370Asn; replaces serine 370 with asparagine.
Molecular consequence: missense variant.
Genome position (GRCh38, 1-based): chr21:43,419,869, C>T on the plus strand (G>A on the coding strand, the complement: SIK1 is on the minus strand). VCF-style: chr21-43419869-C-T. GRCh37 (hg19) VCF-style: chr21-44839749-C-T.
Other names: short protein forms S370N.
Identifiers: ClinVar variation 3632426 (VCV003632426.2).